The following is an entry in ClinVar:

ClinVar aggregate classification (germline): Uncertain significance (1 of 4 stars; one submission).

Conditions:
MHC class II deficiency. Also called: Bare lymphocyte syndrome 2; BLS, TYPE II. Identifiers: Orphanet 572, MedGen C5447452, MONDO:0008855.

Submission:

Labcorp Genetics (formerly Invitae), Labcorp
Classification: Uncertain significance for SCID due to absent class II HLA antigens. Last evaluated: 2019-11-15. Review status: criteria provided, single submitter. Criteria: Invitae Variant Classification Sherloc (09022015). Collection method: clinical testing. Allele origin: germline.
Comment: This sequence change replaces arginine with serine at codon 2 of the CIITA protein (p.Arg2Ser). The arginine residue is weakly conserved and there is a moderate physicochemical difference between arginine and serine. This variant is not present in population databases (ExAC no frequency). This variant has not been reported in the literature in individuals with CIITA-related conditions. Algorithms developed to predict the effect of missense changes on protein structure and function (SIFT, PolyPhen-2, Align-GVGD) all suggest that this variant is likely to be tolerated, but these predictions have not been confirmed by published functional studies and their clinical significance is uncertain. In summary, the available evidence is currently insufficient to determine the role of this variant in disease. Therefore, it has been classified as a Variant of Uncertain Significance.

NM_000246.4(CIITA):c.4C>A (p.Arg2Ser)

Gene: CIITA (class II major histocompatibility complex transactivator; plus strand). Cytogenetic location: 16p13.13.
Variant type: single nucleotide variant.
Coding change: c.4C>A on transcript NM_000246.4 (MANE Select); coding-DNA position 4, C replaced by A.
Protein change: p.Arg2Ser; replaces arginine 2 with serine.
Molecular consequence: missense variant. On other transcripts: non-coding transcript variant (1).
Genome position (GRCh38, 1-based): chr16:10,877,334, C>A. VCF-style: chr16-10877334-C-A. GRCh37 (hg19) VCF-style: chr16-10971191-C-A.
Other names: c.4C>A, p.Arg2Ser (NM_001286402.1, NM_001286403.2, NM_001379330.1 and 3 more transcripts); short protein forms R2S.
Identifiers: ClinVar variation 965520 (VCV000965520.1), dbSNP rs375497479, ClinGen allele CA394725208.